The following is an entry in ClinVar:

NM_001164665.2(KIAA1549):c.4399G>A (p.Glu1467Lys)

Gene: KIAA1549 (KIAA1549; minus strand). Cytogenetic location: 7q34.
Variant type: single nucleotide variant.
Coding change: c.4399G>A on transcript NM_001164665.2 (MANE Select); coding-DNA position 4399, G replaced by A.
Protein change: p.Glu1467Lys; replaces glutamic acid 1467 with lysine.
Molecular consequence: missense variant.
Genome position (GRCh38, 1-based): chr7:138,871,309, C>T on the plus strand (G>A on the coding strand, the complement: KIAA1549 is on the minus strand). VCF-style: chr7-138871309-C-T. GRCh37 (hg19) VCF-style: chr7-138556055-C-T.
Other names: c.4399G>A (NM_001164665.1); c.4399G>A, p.Glu1467Lys (NM_020910.3); short protein forms E1467K.
Identifiers: ClinVar variation 1984406 (VCV001984406.3), dbSNP rs374794051, ClinGen allele CA167139208.

ClinVar aggregate classification (germline): Uncertain significance. Review status: criteria provided, multiple submitters, no conflicts (2 of 4 stars). 2 submissions from 2 submitters: Uncertain significance (2). Last evaluated 2025-08-14.

Conditions:
Inborn genetic diseases. Identifiers: MedGen C0950123, MeSH D030342.

Allele frequency attached by ClinVar (database versions not stated): gnomAD exomes below 0.00001; gnomAD 0.00001; ESP Exome Variant Server 0.00008.
gnomAD v4.1: 4 of 1,603,834 alleles (0.00025%); highest among the groups gnomAD compares: African/African-American, 0.004%; no homozygotes.

Submissions (2):

Ambry Genetics
Classification: Uncertain significance for Inborn genetic diseases. Last evaluated: 2025-08-14. Review status: criteria provided, single submitter. Criteria: Ambry Variant Classification Scheme 2023. Collection method: clinical testing. Allele origin: germline.

Labcorp Genetics (formerly Invitae), Labcorp
Classification: Uncertain significance. Last evaluated: 2022-04-13. Review status: criteria provided, single submitter. Criteria: Invitae Variant Classification Sherloc (09022015). Collection method: clinical testing. Allele origin: germline.
Comment: In summary, the available evidence is currently insufficient to determine the role of this variant in disease. Therefore, it has been classified as a Variant of Uncertain Significance. Algorithms developed to predict the effect of missense changes on protein structure and function are either unavailable or do not agree on the potential impact of this missense change (SIFT: "Deleterious"; PolyPhen-2: "Probably Damaging"; Align-GVGD: "Class C15"). This variant has not been reported in the literature in individuals affected with KIAA1549-related conditions. This variant is present in population databases (rs374794051, gnomAD 0.004%). This sequence change replaces glutamic acid, which is acidic and polar, with lysine, which is basic and polar, at codon 1467 of the KIAA1549 protein (p.Glu1467Lys).